The following is an entry in ClinVar:

NM_001277115.2(DNAH11):c.3256-2A>C

Genes: DNAH11 (dynein axonemal heavy chain 11; plus strand), LOC126859961 (BRD4-independent group 4 enhancer GRCh37_chr7:21639662-21640861; plus strand). Cytogenetic location: 7p15.3.
Variant type: single nucleotide variant.
Coding change: c.3256-2A>C on transcript NM_001277115.2 (MANE Select); the canonical splice acceptor site of the intron before coding-DNA position 3256, A replaced by C.
Molecular consequence: splice acceptor variant.
Genome position (GRCh38, 1-based): chr7:21,601,008, A>C. VCF-style: chr7-21601008-A-C. GRCh37 (hg19) VCF-style: chr7-21640626-A-C.
Identifiers: ClinVar variation 1324267 (VCV001324267.5), dbSNP rs2128447056, ClinGen allele CA366945460.

ClinVar aggregate classification (germline): Likely pathogenic. Review status: criteria provided, multiple submitters, no conflicts (2 of 4 stars). 2 submissions from 2 submitters: Likely pathogenic (2). Last evaluated 2025-02-12.

Conditions:
Primary ciliary dyskinesia 7. Also called: CILIARY DYSKINESIA, PRIMARY, 7, WITH OR WITHOUT SITUS INVERSUS. Identifiers: Orphanet 244, MedGen C2678473, MONDO:0012748, OMIM 611884.

Allele frequency attached by ClinVar (database versions not stated): gnomAD exomes below 0.00001.
gnomAD v4.1: 2 of 1,610,486 alleles (0.00012%); highest among the groups gnomAD compares: South Asian, 0.0022%; no homozygotes.

Submissions (2):

Broad Center for Mendelian Genomics, Broad Institute of MIT and Harvard
Classification: Likely pathogenic for Primary ciliary dyskinesia 7. Last evaluated: 2025-02-12. Review status: criteria provided, single submitter. Criteria: ACMG Guidelines, 2015. Collection method: curation. Allele origin: germline. Inheritance: Autosomal recessive inheritance.
Comment: The c.3256-2A>C variant in DNAH11 has not been previously reported in the literature in individuals with primary ciliary dyskinesia, but has been identified in 0.002% (2/89836) of South Asian chromosomes by the Genome Aggregation Database (gnomAD; dbSNP ID: rs2128447056). Although this variant has been seen in the general population in a heterozygous state, its frequency is low enough to be consistent with a recessive carrier frequency. This variant has also been reported in ClinVar (Variation ID: 1324267) and has been interpreted as likely pathogenic by Revvity Omics (Revvity). This variant is located in the 5' splice region. Computational tools predict a splicing impact, though this information is not predictive enough to determine out pathogenicity. Loss of function of the DNAH11 gene is an established disease mechanism in autosomal recessive primary ciliary dyskinesia. In summary, although additional studies are required to fully establish its clinical significance, this variant is likely pathogenic for autosomal recessive primary ciliary dyskinesia. ACMG/AMP Criteria applied: PVS1, PM2_supporting (Richards 2015).

Revvity Omics, Revvity
Classification: Likely pathogenic for Primary ciliary dyskinesia 7. Last evaluated: 2020-06-21. Review status: criteria provided, single submitter. Criteria: ACMG Guidelines, 2015. Collection method: clinical testing. Allele origin: germline.